The following is an entry in ClinVar:

ClinVar aggregate classification (germline): Uncertain significance (1 of 4 stars; one submission).

Conditions:
3-Methylglutaconic aciduria type 2 (BTHS). Also called: CARDIOSKELETAL MYOPATHY WITH NEUTROPENIA AND ABNORMAL MITOCHONDRIA; Barth syndrome. Identifiers: Orphanet 111, MedGen C0574083, MONDO:0010543, OMIM 302060.

Submission:

Labcorp Genetics (formerly Invitae), Labcorp
Classification: Uncertain significance for 3-Methylglutaconic aciduria type 2. Last evaluated: 2016-03-05. Review status: criteria provided, single submitter. Criteria: Invitae Variant Classification Sherloc (09022015). Collection method: clinical testing. Allele origin: germline.
Comment: This sequence change replaces glycine with arginine at codon 195 of the TAZ protein (p.Gly195Arg). The glycine residue is highly conserved and there is a moderate physicochemical difference between glycine and arginine. It also falls at the last nucleotide of exon 7 of the TAZ coding sequence. This variant is not present in population databases (ExAC no frequency) and has not been reported in the literature in individuals with a TAZ-related disease. Algorithms developed to predict the effect of missense changes on protein structure and function do not agree on the potential impact of this missense change (SIFT: "Deleterious"; PolyPhen-2: "Probably Damaging"; Align-GVGD: "Class C0"). Nucleotide substitutions at the last nucleotide of an exon are relatively common causes of aberrant splicing (PMID: 17576681), but according to multiple splice site algorithms, this variant is not predicted to significantly affect splicing. These predictions have not been confirmed by published functional studies. In summary, this variant is a novel missense change with uncertain impact on protein function and splicing. It has been classified as a Variant of Uncertain Significance.

Literature cited by the submitters: PubMed 17576681.

NM_000116.5(TAFAZZIN):c.583G>A (p.Gly195Arg)

Gene: TAFAZZIN (tafazzin, phospholipid-lysophospholipid transacylase; plus strand). Cytogenetic location: Xq28.
Variant type: single nucleotide variant.
Coding change: c.583G>A on transcript NM_000116.5 (MANE Select); coding-DNA position 583, G replaced by A.
Protein change: p.Gly195Arg; replaces glycine 195 with arginine.
Molecular consequence: missense variant. On other transcripts: non-coding transcript variant (1), intron variant (3).
Genome position (GRCh38, 1-based): chrX:154,419,746, G>A. VCF-style: chrX-154419746-G-A. GRCh37 (hg19) VCF-style: chrX-153648085-G-A.
Other names: c.493G>A, p.Gly165Arg (NM_181311.4); c.595+123G>A (NM_001303465.2); c.541+123G>A (NM_181312.4); c.451+123G>A (NM_181313.4); short protein forms G195R, G165R.
Identifiers: ClinVar variation 237011 (VCV000237011.5), dbSNP rs878853656, ClinGen allele CA10583940.